The following is an entry in ClinVar:

ClinVar aggregate classification (germline): Benign. Review status: criteria provided, multiple submitters, no conflicts (2 of 4 stars). 12 submissions from 12 submitters: Benign (10). 2 of the submissions do not count toward it. Last evaluated 2026-02-04.

Conditions:
Renal carnitine transport defect (CDSP). Also called: CARNITINE DEFICIENCY, SYSTEMIC, DUE TO DEFECT IN RENAL REABSORPTION OF CARNITINE; CARNITINE TRANSPORTER, PLASMA-MEMBRANE, DEFICIENCY OF; CARNITINE UPTAKE DEFECT; Primary carnitine deficiency; Systemic primary carnitine deficiency disease; Carnitine transporter deficiency. Identifiers: Orphanet 158, MedGen C0342788, MONDO:0008919, OMIM 212140.

Allele frequency attached by ClinVar (database versions not stated): gnomAD 0.40692 and 0.39418; gnomAD exomes 0.43521 and 0.40363; ExAC 0.43990; 1000 Genomes Project 30x 0.47533; 1000 Genomes Project 0.48602; ESP Exome Variant Server 0.37390; TOPMed 0.38466.
gnomAD v4.1: 650,791 of 1,609,746 alleles (40%); highest among the groups gnomAD compares: East Asian, 67%; 137,584 homozygotes.

Submissions (12):

Labcorp Genetics (formerly Invitae), Labcorp
Classification: Benign for Renal carnitine transport defect. Last evaluated: 2026-02-04. Review status: criteria provided, single submitter. Criteria: Invitae Variant Classification Sherloc (09022015). Collection method: clinical testing. Allele origin: germline.

Blueprint Genetics
Classification: Benign. Last evaluated: 2024-11-26. Review status: criteria provided, single submitter. Criteria: ACMG Guidelines, 2015. Collection method: clinical testing. Allele origin: germline.

Mayo Clinic Laboratories, Mayo Clinic
Classification: Benign. Last evaluated: 2022-04-26. Review status: criteria provided, single submitter. Criteria: ACMG Guidelines, 2015. Collection method: clinical testing. Allele origin: germline. Observed: 45 variant alleles.

ARUP Laboratories, Molecular Genetics and Genomics, ARUP Laboratories
Classification: Benign for Renal carnitine transport defect. Last evaluated: 2021-10-20. Review status: criteria provided, single submitter. Criteria: ARUP Molecular Germline Variant Investigation Process 2021. Collection method: clinical testing. Allele origin: germline.

Genome-Nilou Lab
Classification: Benign for Renal carnitine transport defect. Last evaluated: 2021-07-15. Review status: criteria provided, single submitter. Criteria: ACMG Guidelines, 2015. Collection method: clinical testing. Allele origin: germline. Affected: no.

Pars Genome Lab
Classification: Benign for Renal carnitine transport defect. Last evaluated: 2021-06-15. Review status: criteria provided, single submitter. Criteria: ACMG Guidelines, 2015. Collection method: clinical testing. Allele origin: germline. Affected: no.

Illumina Laboratory Services, Illumina
Classification: Benign for Renal carnitine transport defect. Last evaluated: 2018-01-13. Review status: criteria provided, single submitter. Criteria: ICSL Variant Classification Criteria 13 December 2019. Collection method: clinical testing. Allele origin: germline.
Comment: This variant was observed in the ICSL laboratory as part of a predisposition screen in an ostensibly healthy population. It had not been previously curated by ICSL or reported in the Human Gene Mutation Database (HGMD: prior to June 1st, 2018), and was therefore a candidate for classification through an automated scoring system. Utilizing variant allele frequency, disease prevalence and penetrance estimates, and inheritance mode, an automated score was calculated to assess if this variant is too frequent to cause the disease. Based on the score and internal cut-off values, a variant classified as benign is not then subjected to further curation. The score for this variant resulted in a classification of benign for this disease.

Eurofins Ntd Llc (ga)
Classification: Benign. Last evaluated: 2017-12-07. Review status: criteria provided, single submitter. Criteria: EGL Classification Definitions 2015. Collection method: clinical testing. Allele origin: germline. Observed: 82 variant alleles, 62 heterozygotes, 20 homozygotes.

Women's Health and Genetics/Laboratory Corporation of America, LabCorp
Classification: Benign. Last evaluated: 2016-04-18. Review status: criteria provided, single submitter. Criteria: LabCorp Variant Classification Summary - May 2015. Collection method: clinical testing. Allele origin: germline.
Comment: Variant summary:The c.824+13T>C in SLC22A5 gene is an intronic change that involves a non-conserved nucleotide. 5/5 programs in Alamut predict that this variant does not affect normal splicing, however no functional studies supporting this notion were published at the time of evaluation. The variant is present in the control population dataset of ExAC at frequency of 44%, including numerous homozygous occurrences. The observed frequency exceeds the maximum expected allele frequency for a pathogenic SLC22A variant, suggesting that it is a common polymorphism. In addition, the variant has been reported as Benign/Polymorphism by reputable database/clinical laboratory and published reports (Tang et al., 2002). Taken together, this variant has been classified as Benign.

GeneDx
Classification: Benign. Last evaluated: 2015-03-03. Review status: criteria provided, single submitter. Criteria: GeneDx Variant Classification Process June 2021. Collection method: clinical testing. Allele origin: germline. Affected: yes.

Diagnostic Laboratory, Department of Genetics, University Medical Center Groningen
Classification: Benign. Review status: no assertion criteria provided. Collection method: clinical testing. Allele origin: germline. Affected: yes. Study: VKGL Data-share Consensus. Not counted in ClinVar's aggregate classification.

Joint Genome Diagnostic Labs from Nijmegen and Maastricht, Radboudumc and MUMC+
Classification: Benign. Review status: no assertion criteria provided. Collection method: clinical testing. Allele origin: germline. Affected: yes. Study: VKGL Data-share Consensus. Not counted in ClinVar's aggregate classification.

Literature cited by the submitters: PubMed 19419416 (cited by Women's Health and Genetics/Laboratory Corporation of America, LabCorp).

NM_003060.4(SLC22A5):c.824+13T>C

Gene: SLC22A5 (solute carrier family 22 member 5; plus strand). Cytogenetic location: 5q31.1.
Variant type: single nucleotide variant.
Coding change: c.824+13T>C on transcript NM_003060.4 (MANE Select); 13 bases into the intron after coding-DNA position 824, T replaced by C.
Molecular consequence: intron variant.
Genome position (GRCh38, 1-based): chr5:132,385,512, T>C. VCF-style: chr5-132385512-T-C. GRCh37 (hg19) VCF-style: chr5-131721204-T-C.
Other names: p.?; c.896+13T>C (NM_001308122.2).
Identifiers: ClinVar variation 94102 (VCV000094102.37), dbSNP rs274557, ClinGen allele CA147625.